The following is an entry in ClinVar:

NM_015047.3(EMC1):c.22C>G (p.Arg8Gly)

Gene: EMC1 (ER membrane protein complex subunit 1; minus strand). Cytogenetic location: 1p36.13.
Variant type: single nucleotide variant.
Coding change: c.22C>G on transcript NM_015047.3 (MANE Select); coding-DNA position 22, C replaced by G.
Protein change: p.Arg8Gly; replaces arginine 8 with glycine.
Molecular consequence: missense variant.
Genome position (GRCh38, 1-based): chr1:19,251,488, G>C on the plus strand (C>G on the coding strand, the complement: EMC1 is on the minus strand). VCF-style: chr1-19251488-G-C. GRCh37 (hg19) VCF-style: chr1-19577982-G-C.
Other names: c.22C>G, p.Arg8Gly (NM_001271427.2, NM_001271428.2, NM_001271429.2 and 2 more transcripts); short protein forms R8G.
Identifiers: ClinVar variation 1960064 (VCV001960064.6), dbSNP rs759788442, ClinGen allele CA338776024.

ClinVar aggregate classification (germline): Uncertain significance. Review status: criteria provided, multiple submitters, no conflicts (2 of 4 stars). 2 submissions from 2 submitters: Uncertain significance (2). Last evaluated 2023-10-01.

Conditions:
Retinal dystrophy. Also called: Inherited retinal dystrophy. Identifiers: Orphanet 71862, MedGen C0854723, MeSH D058499, MONDO:0019118, HP:0000556.

gnomAD v4.1: 8 of 1,614,008 alleles (0.0005%); highest among the groups gnomAD compares: East Asian, 0.0067%; no homozygotes.

Submissions (2):

Dept Of Ophthalmology, Nagoya University
Classification: Uncertain significance for Retinal dystrophy. Last evaluated: 2023-10-01. Review status: criteria provided, single submitter. Criteria: Submitter's publication. Collection method: research. Allele origin: germline. Affected: yes.

Labcorp Genetics (formerly Invitae), Labcorp
Classification: Uncertain significance. Last evaluated: 2023-06-23. Review status: criteria provided, single submitter. Criteria: Invitae Variant Classification Sherloc (09022015). Collection method: clinical testing. Allele origin: germline.
Comment: This variant has not been reported in the literature in individuals affected with EMC1-related conditions. In summary, the available evidence is currently insufficient to determine the role of this variant in disease. Therefore, it has been classified as a Variant of Uncertain Significance. Algorithms developed to predict the effect of missense changes on protein structure and function output the following: SIFT: "Not Available"; PolyPhen-2: "Benign"; Align-GVGD: "Not Available". The glycine amino acid residue is found in multiple mammalian species, which suggests that this missense change does not adversely affect protein function. ClinVar contains an entry for this variant (Variation ID: 1960064). This variant is present in population databases (no rsID available, gnomAD 0.0009%). This sequence change replaces arginine, which is basic and polar, with glycine, which is neutral and non-polar, at codon 8 of the EMC1 protein (p.Arg8Gly).